The following is an entry in ClinVar:

ClinVar aggregate classification (germline): Conflicting classifications of pathogenicity. Review status: criteria provided, conflicting classifications (1 of 4 stars). 3 submissions from 3 submitters: Uncertain significance (2); Likely benign (1). Last evaluated 2022-11-08.

Allele frequency attached by ClinVar (database versions not stated): ExAC 0.00001; gnomAD exomes 0.00001 and 0.00003; gnomAD 0.00004 and 0.00005; TOPMed 0.00006; ESP Exome Variant Server 0.00008.

Submissions (3):

GeneDx
Classification: Uncertain significance. Last evaluated: 2022-11-08. Review status: criteria provided, single submitter. Criteria: GeneDx Variant Classification Process June 2021. Collection method: clinical testing. Allele origin: germline. Affected: yes.
Comment: In silico analysis supports that this missense variant does not alter protein structure/function; Has not been previously published as pathogenic or benign to our knowledge

Blueprint Genetics
Classification: Likely benign. Last evaluated: 2022-07-17. Review status: criteria provided, single submitter. Criteria: ACMG Guidelines, 2015. Collection method: clinical testing. Allele origin: germline.

Laboratorio de Genetica e Diagnostico Molecular, Hospital Israelita Albert Einstein
Classification: Uncertain significance. Last evaluated: 2020-09-02. Review status: criteria provided, single submitter. Criteria: ACMG Guidelines, 2015. Collection method: clinical testing. Allele origin: germline. Affected: yes.
Comment: ACMG classification criteria: PM2, BP4

NM_020944.3(GBA2):c.380G>A (p.Arg127Gln)

Gene: GBA2 (glucosylceramidase beta 2; minus strand). Cytogenetic location: 9p13.3.
Variant type: single nucleotide variant.
Coding change: c.380G>A on transcript NM_020944.3 (MANE Select); coding-DNA position 380, G replaced by A.
Protein change: p.Arg127Gln; replaces arginine 127 with glutamine.
Molecular consequence: missense variant.
Genome position (GRCh38, 1-based): chr9:35,744,686, C>T on the plus strand (G>A on the coding strand, the complement: GBA2 is on the minus strand). VCF-style: chr9-35744686-C-T. GRCh37 (hg19) VCF-style: chr9-35744683-C-T.
Other names: c.380G>A, p.Arg127Gln (NM_001330660.2); c.380G>A (NM_020944.2); short protein forms R127Q.
Identifiers: ClinVar variation 1690929 (VCV001690929.4), dbSNP rs373450271, ClinGen allele CA5050737.